The following is an entry in ClinVar:

NM_001278064.2(GRM1):c.2321C>T (p.Thr774Ile)

Gene: GRM1 (glutamate metabotropic receptor 1; plus strand). Cytogenetic location: 6q24.3.
Variant type: single nucleotide variant.
Coding change: c.2321C>T on transcript NM_001278064.2 (MANE Select); coding-DNA position 2321, C replaced by T.
Protein change: p.Thr774Ile; replaces threonine 774 with isoleucine.
Molecular consequence: missense variant.
Genome position (GRCh38, 1-based): chr6:146,399,360, C>T. VCF-style: chr6-146399360-C-T. GRCh37 (hg19) VCF-style: chr6-146720496-C-T.
Other names: c.2321C>T, p.Thr774Ile (NM_001278065.2, NM_001278066.1, NM_001278067.1); short protein forms T774I.
Identifiers: ClinVar variation 5006976 (VCV005006976.2).

ClinVar aggregate classification (germline): Uncertain significance (1 of 4 stars; one submission).

Conditions:
Autosomal recessive spinocerebellar ataxia 13. Identifiers: Orphanet 324262, MedGen C3553816, MONDO:0013905, OMIM 614831.
Spinocerebellar ataxia 44. Identifiers: Orphanet 631095, MedGen C4521563, MONDO:0033479, OMIM 617691.

Submission:

Juno Genomics, Hangzhou Juno Genomics, Inc
Classification: Uncertain significance for Spinocerebellar ataxia 44; Autosomal recessive spinocerebellar ataxia 13. Review status: criteria provided, single submitter. Criteria: ACMG Guidelines, 2015. Collection method: clinical testing. Allele origin: germline.
Comment: Absent from controls (or at extremely low frequency if recessive) in Genome Aggregation Database.;Missense variant in a gene that has a low rate of benign missense variation.;Multiple lines of computational evidence support a deleterious effect on the gene or gene product.